The following is an entry in ClinVar:

ClinVar aggregate classification (germline): Uncertain significance (1 of 4 stars; one submission).

Submission:

Labcorp Genetics (formerly Invitae), Labcorp
Classification: Uncertain significance. Last evaluated: 2021-12-02. Review status: criteria provided, single submitter. Criteria: Invitae Variant Classification Sherloc (09022015). Collection method: clinical testing. Allele origin: germline.
Comment: This sequence change replaces glycine with serine at codon 376 of the COL18A1 protein (p.Gly376Ser). There is a small physicochemical difference between glycine and serine. The frequency data for this variant in the population databases is considered unreliable, as metrics indicate poor data quality at this position in the gnomAD database. This variant has not been reported in the literature in individuals affected with COL18A1-related conditions. Experimental studies and prediction algorithms are not available or were not evaluated, and the functional significance of this variant is currently unknown. In summary, the available evidence is currently insufficient to determine the role of this variant in disease. Therefore, it has been classified as a Variant of Uncertain Significance.

NM_001379500.1(COL18A1):c.1126G>A (p.Gly376Ser)

Gene: COL18A1 (collagen type XVIII alpha 1 chain; plus strand). Cytogenetic location: 21q22.3.
Variant type: single nucleotide variant.
Coding change: c.1126G>A on transcript NM_001379500.1 (MANE Select); coding-DNA position 1126, G replaced by A.
Protein change: p.Gly376Ser; replaces glycine 376 with serine.
Molecular consequence: missense variant.
Genome position (GRCh38, 1-based): chr21:45,477,870, G>A. VCF-style: chr21-45477870-G-A. GRCh37 (hg19) VCF-style: chr21-46897784-G-A.
Other names: c.1666G>A, p.Gly556Ser (NM_030582.4); c.2371G>A, p.Gly791Ser (NM_130444.3); short protein forms G791S, G556S, G376S.
Identifiers: ClinVar variation 1463086 (VCV001463086.3), dbSNP rs762568273, ClinGen allele CA10066080.
Genomic context (GRCh38, chr21:45,477,870, plus strand): 5'-CCCCCAGGATCCCCATGCCTACCTGGTCCCCCGGGTCTCCCGTGCCCAGTGAGTCCCCTG[G>A]GTCCTGCAGGCCCAGCGTTGCAAACTGTCCCCGGACCACAAGGACCCCCAGGGCCTCCGG-3'
Protein context (NP_001366429.1, residues 366-386): PGLPCPVSPL[Gly376Ser]PAGPALQTVP